The following is an entry in ClinVar:

NM_000486.6(AQP2):c.761G>A (p.Arg254Gln)

Genes: AQP2 (aquaporin 2; plus strand), AQP5-AS1 (AQP5 and AQP2 antisense RNA 2; minus strand). Cytogenetic location: 12q13.12.
Variant type: single nucleotide variant.
Coding change: c.761G>A on transcript NM_000486.6 (MANE Select); coding-DNA position 761, G replaced by A.
Protein change: p.Arg254Gln; replaces arginine 254 with glutamine.
Molecular consequence: missense variant.
Genome position (GRCh38, 1-based): chr12:49,955,553, G>A. VCF-style: chr12-49955553-G-A. GRCh37 (hg19) VCF-style: chr12-50349336-G-A.
Other names: short protein forms R254Q.
Identifiers: ClinVar variation 4818434 (VCV004818434.1).

ClinVar aggregate classification (germline): Likely pathogenic (1 of 4 stars; one submission).

Conditions:
Nephrogenic diabetes insipidus. Identifiers: Orphanet 223, MedGen C0162283, MONDO:0016383, HP:0009806.

Submission:

Natera, Inc.
Classification: Likely pathogenic for Nephrogenic diabetes insipidus. Last evaluated: 2025-08-11. Review status: criteria provided, single submitter. Criteria: Natera Variant Classification Schema (03/2026). Collection method: clinical testing. Allele origin: germline.
Comment: The c.761G>A variant in AQP2 is a missense variant predicted to cause substitution of arginine to glutamine at amino acid 254. This variant is rare in the general population with a frequency below the threshold expected for the associated phenotype(s). This variant has been observed in affected individual(s) with monoallelic occurrence (heterozygous/hemizygous) (PMID: 19585583, 23150186, 25324589). Additionally, this variant has been observed to segregate in affected family members (PMID: 23150186). Functional studies show that this variant may disrupt protein function (PMID: 19585583). Computational prediction algorithms indicate this variant is likely to affect gene or protein function. Given the available evidence, this variant is classified as Likely Pathogenic.

Literature cited by the submitters: PubMed 19585583; PubMed 23150186; PubMed 25324589.